The following is an entry in ClinVar:

NM_001270974.2(HYDIN):c.6289C>T (p.Gln2097Ter)

Gene: HYDIN (HYDIN axonemal central pair apparatus protein; minus strand). Cytogenetic location: 16q22.2.
Variant type: single nucleotide variant.
Coding change: c.6289C>T on transcript NM_001270974.2 (MANE Select); coding-DNA position 6289, C replaced by T.
Protein change: p.Gln2097Ter; replaces glutamine 2097 with a stop codon.
Molecular consequence: nonsense.
Genome position (GRCh38, 1-based): chr16:70,955,402, G>A on the plus strand (C>T on the coding strand, the complement: HYDIN is on the minus strand). VCF-style: chr16-70955402-G-A. GRCh37 (hg19) VCF-style: chr16-70989305-G-A.
Other names: short protein forms Q2097*.
Identifiers: ClinVar variation 430511 (VCV000430511.2), dbSNP rs774501536, ClinGen allele CA8150325.

ClinVar aggregate classification (germline): Likely pathogenic (1 of 4 stars; one submission).

Allele frequency attached by ClinVar (database versions not stated): gnomAD exomes below 0.00001; ExAC 0.00001.
gnomAD v4.1: 4 of 1,613,282 alleles (0.00025%); highest among the groups gnomAD compares: Non-Finnish European, 0.00034%; no homozygotes.

Submission:

GeneDx
Classification: Likely pathogenic. Last evaluated: 2017-05-26. Review status: criteria provided, single submitter. Criteria: GeneDx Variant Classification (06012015). Collection method: clinical testing. Allele origin: germline. Affected: yes.
Comment: The Q2097X variant in the HYDIN gene has not been reported previously as a pathogenic variant, nor as a benign variant, to our knowledge. This variant is predicted to cause loss of normal protein function either through protein truncation or nonsense-mediated mRNA decay. The Q2097X variant is not observed in large population cohorts (Lek et al., 2016; 1000 Genomes Consortium et al., 2015; Exome Variant Server). We interpret Q2097X as a likely pathogenic variant.